The following is an entry in ClinVar:

ClinVar aggregate classification (germline): Uncertain significance. Review status: criteria provided, multiple submitters, no conflicts (2 of 4 stars). 2 submissions from 2 submitters: Uncertain significance (2). Last evaluated 2025-08-30.

Conditions:
Tuberous sclerosis 2 (TSC2). Identifiers: Orphanet 805, MedGen C1860707, MONDO:0013199, OMIM 613254.
Hereditary cancer-predisposing syndrome. Also called: Neoplastic Syndromes, Hereditary; Tumor predisposition; Hereditary Cancer Syndrome; Hereditary neoplastic syndrome. Identifiers: Orphanet 140162, MedGen C0027672, MeSH D009386, MONDO:0015356.

Allele frequency attached by ClinVar (database versions not stated): gnomAD exomes below 0.00001.
gnomAD v4.1: 1 of 1,614,142 alleles (0.000062%); no homozygotes.

Submissions (2):

Ambry Genetics
Classification: Uncertain significance for Hereditary cancer-predisposing syndrome. Last evaluated: 2025-08-30. Review status: criteria provided, single submitter. Criteria: Ambry Variant Classification Scheme 2023. Collection method: clinical testing. Allele origin: germline.
Comment: The p.D129V variant (also known as c.386A>T), located in coding exon 4 of the TSC2 gene, results from an A to T substitution at nucleotide position 386. The aspartic acid at codon 129 is replaced by valine, an amino acid with highly dissimilar properties. This amino acid position is conserved. In addition, this alteration is predicted to be deleterious by in silico analysis. Based on the available evidence, the clinical significance of this variant remains unclear.

Labcorp Genetics (formerly Invitae), Labcorp
Classification: Uncertain significance for Tuberous sclerosis 2. Last evaluated: 2018-08-14. Review status: criteria provided, single submitter. Criteria: Invitae Variant Classification Sherloc (09022015). Collection method: clinical testing. Allele origin: germline.
Comment: In summary, the available evidence is currently insufficient to determine the role of this variant in disease. Therefore, it has been classified as a Variant of Uncertain Significance. Algorithms developed to predict the effect of sequence changes on RNA splicing suggest that this variant may create or strengthen a splice site, but this prediction has not been confirmed by published transcriptional studies. Algorithms developed to predict the effect of missense changes on protein structure and function do not agree on the potential impact of this missense change (SIFT: "Deleterious"; PolyPhen-2: "Possibly Damaging"; Align-GVGD: "Class C0"). This variant has not been reported in the literature in individuals with TSC2-related disease. This variant is not present in population databases (ExAC no frequency). This sequence change replaces aspartic acid with valine at codon 129 of the TSC2 protein (p.Asp129Val). The aspartic acid residue is moderately conserved and there is a large physicochemical difference between aspartic acid and valine.

NM_000548.5(TSC2):c.386A>T (p.Asp129Val)

Gene: TSC2 (TSC complex subunit 2; plus strand). Cytogenetic location: 16p13.3.
Variant type: single nucleotide variant.
Coding change: c.386A>T on transcript NM_000548.5 (MANE Select); coding-DNA position 386, A replaced by T.
Protein change: p.Asp129Val; replaces aspartic acid 129 with valine.
Molecular consequence: missense variant. On other transcripts: intron variant (1).
Genome position (GRCh38, 1-based): chr16:2,054,345, A>T. VCF-style: chr16-2054345-A-T. GRCh37 (hg19) VCF-style: chr16-2104346-A-T.
Other names: c.386A>T, p.Asp129Val (NM_001077183.3, NM_001114382.3, NM_001363528.2 and 3 more transcripts); c.275A>T, p.Asp92Val (NM_001318827.2); c.239A>T, p.Asp80Val (NM_001318829.2); c.419A>T, p.Asp140Val (NM_001318832.2); c.-1-1851A>T (NM_001318831.2); short protein forms D129V, D80V, D92V, D140V.
Identifiers: ClinVar variation 535986 (VCV000535986.10), dbSNP rs1555497612, ClinGen allele CA394306880.